The following is an entry in ClinVar:

ClinVar aggregate classification (germline): Conflicting classifications of pathogenicity. Review status: criteria provided, conflicting classifications (1 of 4 stars). 2 submissions from 2 submitters: Pathogenic (1); Uncertain significance (1). Last evaluated 2025-04-30.

Conditions:
Hereditary cancer-predisposing syndrome. Also called: Tumor predisposition; Hereditary Cancer Syndrome; Hereditary neoplastic syndrome; Neoplastic Syndromes, Hereditary. Identifiers: Orphanet 140162, MedGen C0027672, MeSH D009386, MONDO:0015356.

Allele frequency attached by ClinVar (database versions not stated): gnomAD exomes below 0.00001; ExAC 0.00001.
gnomAD v4.1: 2 of 1,614,204 alleles (0.00012%); highest among the groups gnomAD compares: Non-Finnish European, 0.00017%; no homozygotes.

Submissions (3):

Ambry Genetics
Classification: Uncertain significance for Hereditary cancer-predisposing syndrome. Last evaluated: 2025-04-30. Review status: criteria provided, single submitter. Criteria: Ambry Variant Classification Scheme 2023. Collection method: clinical testing. Allele origin: germline.
Comment: The p.R74K variant (also known as c.221G>A), located in coding exon 2 of the FH gene, results from a G to A substitution at nucleotide position 221. The arginine at codon 74 is replaced by lysine, an amino acid with highly similar properties. This alteration has been identified in trans with another pathogenic FH variant in a proband with features consistent with Fumarate hydratase deficiency (External communication). This amino acid position is highly conserved in available vertebrate species. In addition, this alteration is predicted to be deleterious by in silico analysis. Based on the majority of available evidence to date, this variant is expected to be causative of autosomal recessive FH deficiency when present along with a second likely pathogenic/pathogenic variant on the other allele; however, the clinical significance for autosomal dominant HLRCC is unclear.

Labcorp Genetics (formerly Invitae), Labcorp
Classification: Pathogenic. Last evaluated: 2020-11-23. Review status: criteria provided, single submitter. Criteria: Invitae Variant Classification Sherloc (09022015). Collection method: clinical testing. Allele origin: germline.
Comment: This variant has been observed in individual(s) with autosomal recessive fumarate hydratase deficiency (Invitae). In at least one individual the data is consistent with the variant being in trans (on the opposite chromosome) from a pathogenic variant. For these reasons, this variant has been classified as Pathogenic. Advanced modeling of protein sequence and biophysical properties (such as structural, functional, and spatial information, amino acid conservation, physicochemical variation, residue mobility, and thermodynamic stability) performed at Invitae indicates that this missense variant is expected to disrupt FH protein function. This variant is present in population databases (rs200922399, ExAC 0.001%). This sequence change replaces arginine with lysine at codon 74 of the FH protein (p.Arg74Lys). The arginine residue is highly conserved and there is a small physicochemical difference between arginine and lysine.

Blake Wilde Laboratory, Roswell Park Comprehensive Cancer Center
No classification provided (evidence only). Condition: Hereditary leiomyomatosis and renal cell cancer. Review status: no classification provided. Collection method: in vitro. Allele origin: not applicable. Functional consequence: decreased enzyme activity. Not counted in ClinVar's aggregate classification.

NM_000143.4(FH):c.221G>A (p.Arg74Lys)

Gene: FH (fumarate hydratase; minus strand). Cytogenetic location: 1q43.
Variant type: single nucleotide variant.
Coding change: c.221G>A on transcript NM_000143.4 (MANE Select); coding-DNA position 221, G replaced by A.
Protein change: p.Arg74Lys; replaces arginine 74 with lysine.
Molecular consequence: missense variant.
Genome position (GRCh38, 1-based): chr1:241,517,228, C>T on the plus strand (G>A on the coding strand, the complement: FH is on the minus strand). VCF-style: chr1-241517228-C-T. GRCh37 (hg19) VCF-style: chr1-241680528-C-T.
Other names: c.221G>A (NM_000143.3); short protein forms R74K.
Identifiers: ClinVar variation 1382609 (VCV001382609.9), dbSNP rs200922399, ClinGen allele CA1478747.